The following is an entry in ClinVar:

NM_016247.4(IMPG2):c.3233+1G>A

Gene: IMPG2 (interphotoreceptor matrix proteoglycan 2; minus strand). Cytogenetic location: 3q12.3.
Variant type: single nucleotide variant.
Coding change: c.3233+1G>A on transcript NM_016247.4 (MANE Select); the canonical splice donor site of the intron after coding-DNA position 3233, G replaced by A.
Molecular consequence: splice donor variant.
Genome position (GRCh38, 1-based): chr3:101,232,780, C>T on the plus strand (G>A on the coding strand, the complement: IMPG2 is on the minus strand). VCF-style: chr3-101232780-C-T. GRCh37 (hg19) VCF-style: chr3-100951624-C-T.
Identifiers: ClinVar variation 1068437 (VCV001068437.7), dbSNP rs2107207834, ClinGen allele CA353849533.

ClinVar aggregate classification (germline): Likely pathogenic (1 of 4 stars; one submission).

Submission:

Labcorp Genetics (formerly Invitae), Labcorp
Classification: Likely pathogenic. Last evaluated: 2020-10-08. Review status: criteria provided, single submitter. Criteria: Invitae Variant Classification Sherloc (09022015). Collection method: clinical testing. Allele origin: germline.
Comment: In summary, the currently available evidence indicates that the variant is pathogenic, but additional data are needed to prove that conclusively. Therefore, this variant has been classified as Likely Pathogenic. Donor and acceptor splice site variants typically lead to a loss of protein function (PMID: 16199547), and loss-of-function variants in IMPG2 are known to be pathogenic (PMID: 20673862). Algorithms developed to predict the effect of sequence changes on RNA splicing suggest that this variant may disrupt the consensus splice site, but this prediction has not been confirmed by published transcriptional studies. This variant has not been reported in the literature in individuals with IMPG2-related conditions. This variant is not present in population databases (ExAC no frequency). This sequence change affects a donor splice site in intron 15 of the IMPG2 gene. It is expected to disrupt RNA splicing and likely results in an absent or disrupted protein product.

Literature cited by the submitters: PubMed 16199547; PubMed 20673862.